The following is an entry in ClinVar:

NM_000702.4(ATP1A2):c.2680G>T (p.Asp894Tyr)

Gene: ATP1A2 (ATPase Na+/K+ transporting subunit alpha 2; plus strand). Cytogenetic location: 1q23.2.
Variant type: single nucleotide variant.
Coding change: c.2680G>T on transcript NM_000702.4 (MANE Select); coding-DNA position 2680, G replaced by T.
Protein change: p.Asp894Tyr; replaces aspartic acid 894 with tyrosine.
Molecular consequence: missense variant.
Genome position (GRCh38, 1-based): chr1:160,136,686, G>T. VCF-style: chr1-160136686-G-T. GRCh37 (hg19) VCF-style: chr1-160106476-G-T.
Other names: short protein forms D894Y.
Identifiers: ClinVar variation 446872 (VCV000446872.7), dbSNP rs1553245907, ClinGen allele CA343252243.

ClinVar aggregate classification (germline): Uncertain significance. Review status: criteria provided, multiple submitters, no conflicts (2 of 4 stars). 4 submissions from 4 submitters: Uncertain significance (4). Last evaluated 2026-06-16.

Conditions:
Migraine, familial hemiplegic, 2. Identifiers: Orphanet 569, MedGen C1865322, MONDO:0011232, OMIM 602481.
Alternating hemiplegia of childhood 1 (AHC1). Identifiers: Orphanet 2131, MedGen C3549447, MONDO:0007087, OMIM 104290.
Familial hemiplegic migraine. Identifiers: MedGen C0338484, MONDO:0000700.

Submissions (4):

GeneDx
Classification: Uncertain significance. Last evaluated: 2026-06-16. Review status: criteria provided, single submitter. Criteria: GeneDx Variant Classification Process June 2021. Collection method: clinical testing. Allele origin: germline.
Comment: Not observed at significant frequency in large population cohorts (gnomAD); In silico analysis supports that this missense variant has a deleterious effect on protein structure/function; Has not been previously published as pathogenic or benign to our knowledge

Labcorp Genetics (formerly Invitae), Labcorp
Classification: Uncertain significance for Familial hemiplegic migraine. Last evaluated: 2025-09-03. Review status: criteria provided, single submitter. Criteria: Invitae Variant Classification Sherloc (09022015). Collection method: clinical testing. Allele origin: germline.
Comment: This sequence change replaces aspartic acid, which is acidic and polar, with tyrosine, which is neutral and polar, at codon 894 of the ATP1A2 protein (p.Asp894Tyr). This variant is not present in population databases (gnomAD no frequency). This variant has not been reported in the literature in individuals affected with ATP1A2-related conditions. ClinVar contains an entry for this variant (Variation ID: 446872). Invitae Evidence Modeling of protein sequence and biophysical properties (such as structural, functional, and spatial information, amino acid conservation, physicochemical variation, residue mobility, and thermodynamic stability) indicates that this missense variant is expected to disrupt ATP1A2 protein function with a positive predictive value of 80%. In summary, the available evidence is currently insufficient to determine the role of this variant in disease. Therefore, it has been classified as a Variant of Uncertain Significance.

Athena Diagnostics
Classification: Uncertain significance. Last evaluated: 2022-05-03. Review status: criteria provided, single submitter. Criteria: Athena Diagnostics Criteria. Collection method: clinical testing. Allele origin: unknown.

Fulgent Genetics
Classification: Uncertain significance for Alternating hemiplegia of childhood 1; Migraine, familial hemiplegic, 2. Last evaluated: 2018-10-31. Review status: criteria provided, single submitter. Criteria: ACMG Guidelines, 2015. Collection method: clinical testing. Allele origin: unknown.